The following is an entry in ClinVar:

ClinVar aggregate classification (germline): Uncertain significance (1 of 4 stars; one submission).

Conditions:
Hydatidiform mole, recurrent, 1 (HYDM1). Identifiers: Orphanet 254688, Orphanet 99927, MedGen C3463897, MONDO:0009273, OMIM 231090. Disease mechanism: loss of function.

Allele frequency attached by ClinVar (database versions not stated): ESP Exome Variant Server 0.00023.
gnomAD v4.1: 67 of 1,614,046 alleles (0.0042%); highest among the groups gnomAD compares: African/African-American, 0.08%; no homozygotes.

Submission:

Illumina Laboratory Services, Illumina
Classification: Uncertain significance for Hydatidiform mole, recurrent, 1. Last evaluated: 2017-04-28. Review status: criteria provided, single submitter. Criteria: ICSL Variant Classification Criteria 13 December 2019. Collection method: clinical testing. Allele origin: germline.
Comment: This variant was observed as part of a predisposition screen in an ostensibly healthy population. A literature search was performed for the gene, cDNA change, and amino acid change (where applicable). Publications were found based on this search. However, the evidence from the literature, in combination with allele frequency data from public databases where available, was not sufficient to rule this variant in or out of causing disease. Therefore, this variant is classified as a variant of unknown significance.

Literature cited by the submitters: PubMed 21659348.

NM_001127255.2(NLRP7):c.750C>A (p.Phe250Leu)

Gene: NLRP7 (NLR family pyrin domain containing 7; minus strand). Cytogenetic location: 19q13.42.
Variant type: single nucleotide variant.
Coding change: c.750C>A on transcript NM_001127255.2 (MANE Select); coding-DNA position 750, C replaced by A.
Protein change: p.Phe250Leu; replaces phenylalanine 250 with leucine.
Molecular consequence: missense variant.
Genome position (GRCh38, 1-based): chr19:54,940,069, G>T on the plus strand (C>A on the coding strand, the complement: NLRP7 is on the minus strand). VCF-style: chr19-54940069-G-T. GRCh37 (hg19) VCF-style: chr19-55451437-G-T.
Other names: c.750C>A, p.Phe250Leu (NM_001405531.1, NM_139176.4, NM_206828.4); short protein forms F250L.
Identifiers: ClinVar variation 893923 (VCV000893923.6), dbSNP rs140816006, ClinGen allele CA310019245.